The following is an entry in ClinVar:

ClinVar aggregate classification (germline): Likely pathogenic (1 of 4 stars; one submission).

Conditions:
Ataxia-telangiectasia syndrome (AT). Also called: Ataxia-telangiectasia, complementation group D; AT, COMPLEMENTATION GROUP C; ATAXIA-TELANGIECTASIA, COMPLEMENTATION GROUP A; ATAXIA-TELANGIECTASIA, FRESNO VARIANT; Ataxia-telangiectasia; Ataxia-telangiectasia, complementation group E. Identifiers: Orphanet 100, MedGen C0004135, MONDO:0008840, OMIM 208900.

Submission:

Labcorp Genetics (formerly Invitae), Labcorp
Classification: Likely pathogenic for Ataxia-telangiectasia syndrome. Last evaluated: 2024-05-18. Review status: criteria provided, single submitter. Criteria: Invitae Variant Classification Sherloc (09022015). Collection method: clinical testing. Allele origin: germline.
Comment: This sequence change affects an acceptor splice site in intron 46 of the ATM gene. It is expected to disrupt RNA splicing. Variants that disrupt the donor or acceptor splice site typically lead to a loss of protein function (PMID: 16199547), and loss-of-function variants in ATM are known to be pathogenic (PMID: 23807571, 25614872). This variant is not present in population databases (gnomAD no frequency). This variant has not been reported in the literature in individuals affected with ATM-related conditions. Algorithms developed to predict the effect of sequence changes on RNA splicing suggest that this variant may disrupt the consensus splice site. In summary, the currently available evidence indicates that the variant is pathogenic, but additional data are needed to prove that conclusively. Therefore, this variant has been classified as Likely Pathogenic.

Literature cited by the submitters: PubMed 16199547; PubMed 23807571; PubMed 25614872.

NM_000051.4(ATM):c.6808-1G>T

Genes: ATM (ATM serine/threonine kinase; plus strand), C11orf65 (chromosome 11 open reading frame 65; minus strand). Cytogenetic location: 11q22.3.
Variant type: single nucleotide variant.
Coding change: c.6808-1G>T on transcript NM_000051.4 (MANE Select); the canonical splice acceptor site of the intron before coding-DNA position 6808, G replaced by T.
Molecular consequence: splice acceptor variant. On other transcripts: intron variant (2).
Genome position (GRCh38, 1-based): chr11:108,326,057, G>T. VCF-style: chr11-108326057-G-T. GRCh37 (hg19) VCF-style: chr11-108196784-G-T.
Other names: c.6808-1G>T (NM_001351834.2); c.641-16986C>A (NM_001330368.2); c.*38+9163C>A (NM_001351110.2).
Identifiers: ClinVar variation 3653744 (VCV003653744.2).